The following is an entry in ClinVar:

ClinVar aggregate classification (germline): Uncertain significance (1 of 4 stars; one submission).

Conditions:
Early-infantile DEE. Also called: Early infantile epileptic encephalopathy; Ohtahara syndrome; Early infantile epileptic encephalopathy with suppression bursts. Identifiers: Orphanet 1934, MedGen C0393706, MONDO:0800491.

Submission:

Labcorp Genetics (formerly Invitae), Labcorp
Classification: Uncertain significance for Early-infantile DEE. Last evaluated: 2024-04-25. Review status: criteria provided, single submitter. Criteria: Invitae Variant Classification Sherloc (09022015). Collection method: clinical testing. Allele origin: germline.
Comment: This sequence change affects a donor splice site in intron 3 of the KCNH5 gene. It is expected to disrupt RNA splicing. Variants that disrupt the donor or acceptor splice site typically lead to a loss of protein function (PMID: 16199547), however the current clinical and genetic evidence is not sufficient to establish whether loss-of-function variants in KCNH5 cause disease. This variant is not present in population databases (gnomAD no frequency). Disruption of this splice site has been observed in individual(s) with clinical features of KCNH5-related conditions (Invitae). Algorithms developed to predict the effect of sequence changes on RNA splicing suggest that this variant may disrupt the consensus splice site. In summary, the available evidence is currently insufficient to determine the role of this variant in disease. Therefore, it has been classified as a Variant of Uncertain Significance.

Literature cited by the submitters: PubMed 16199547.

NM_139318.5(KCNH5):c.304+1G>A

Gene: KCNH5 (potassium voltage-gated channel subfamily H member 5; minus strand). Cytogenetic location: 14q23.2.
Variant type: single nucleotide variant.
Coding change: c.304+1G>A on transcript NM_139318.5 (MANE Select); the canonical splice donor site of the intron after coding-DNA position 304, G replaced by A.
Molecular consequence: splice donor variant.
Genome position (GRCh38, 1-based): chr14:63,006,365, C>T on the plus strand (G>A on the coding strand, the complement: KCNH5 is on the minus strand). VCF-style: chr14-63006365-C-T. GRCh37 (hg19) VCF-style: chr14-63473083-C-T.
Other names: c.304+1G>A (NM_172375.3).
Identifiers: ClinVar variation 3639247 (VCV003639247.2).